The following is an entry in ClinVar:

ClinVar aggregate classification (germline): Likely benign. Review status: reviewed by expert panel (3 of 4 stars). 3 submissions from 3 submitters: Likely benign (1). 2 of the submissions do not count toward it. Last evaluated 2017-06-29.

Conditions:
Hereditary cancer-predisposing syndrome. Also called: Hereditary Cancer Syndrome; Neoplastic Syndromes, Hereditary; Tumor predisposition; Hereditary neoplastic syndrome. Identifiers: Orphanet 140162, MedGen C0027672, MeSH D009386, MONDO:0015356.
Breast-ovarian cancer, familial, susceptibility to, 2 (BROVCA2). Also called: BRCA2 Hereditary Breast and Ovarian Cancer. Identifiers: Orphanet 145, MedGen C2675520, MONDO:0012933, OMIM 612555. Disease mechanism: loss of function.
Hereditary breast ovarian cancer syndrome. Also called: Hereditary breast and/or ovarian cancer syndrome; BRCA1- and BRCA2-Associated Hereditary Breast and Ovarian Cancer; Hereditary breast and ovarian cancer syndrome (HBOC); Hereditary breast and ovarian cancer; Hereditary breast and ovarian cancer syndrome; Breast and ovarian cancer. Identifiers: Orphanet 145, MedGen C0677776, MeSH D061325, MONDO:0003582. Disease mechanism: loss of function.

Submissions (3):

Evidence-based Network for the Interpretation of Germline Mutant Alleles (ENIGMA)
Classification: Likely benign for Breast-ovarian cancer, familial, susceptibility to, 2. Last evaluated: 2017-06-29. Review status: reviewed by expert panel. Criteria: ENIGMA BRCA1/2 Classification Criteria (2017-06-29). Collection method: curation. Allele origin: germline.
Comment: Synonymous substitution variant, with low bioinformatic likelihood to result in a splicing aberration (Splicing prior probability 0.02).

Labcorp Genetics (formerly Invitae), Labcorp
Classification: Likely benign for Hereditary breast ovarian cancer syndrome. Last evaluated: 2023-03-02. Review status: criteria provided, single submitter. Criteria: Invitae Variant Classification Sherloc (09022015). Collection method: clinical testing. Allele origin: germline. Not counted in ClinVar's aggregate classification.

Ambry Genetics
Classification: Likely benign for Hereditary cancer-predisposing syndrome. Last evaluated: 2015-01-19. Review status: criteria provided, single submitter. Criteria: Ambry Variant Classification Scheme 2023. Collection method: clinical testing. Allele origin: germline. Not counted in ClinVar's aggregate classification.

NM_000059.4(BRCA2):c.6801A>G (p.Ser2267=)

Gene: BRCA2 (BRCA2 DNA repair associated; plus strand). Cytogenetic location: 13q13.1.
Variant type: single nucleotide variant.
Coding change: c.6801A>G on transcript NM_000059.4 (MANE Select); coding-DNA position 6801, A replaced by G.
Protein change: p.Ser2267=; no amino-acid change (serine 2267 retained).
Molecular consequence: synonymous variant.
Genome position (GRCh38, 1-based): chr13:32,341,156, A>G. VCF-style: chr13-32341156-A-G. GRCh37 (hg19) VCF-style: chr13-32915293-A-G.
Identifiers: ClinVar variation 230196 (VCV000230196.16), dbSNP rs876658442, ClinGen allele CA10579712.